The following is an entry in ClinVar:

NM_173689.7(CRB2):c.152C>A (p.Thr51Asn)

Gene: CRB2 (crumbs cell polarity complex component 2; plus strand). Cytogenetic location: 9q33.3.
Variant type: single nucleotide variant.
Coding change: c.152C>A on transcript NM_173689.7 (MANE Select); coding-DNA position 152, C replaced by A.
Protein change: p.Thr51Asn; replaces threonine 51 with asparagine.
Molecular consequence: missense variant.
Genome position (GRCh38, 1-based): chr9:123,362,922, C>A. VCF-style: chr9-123362922-C-A. GRCh37 (hg19) VCF-style: chr9-126125201-C-A.
Other names: short protein forms T51N.
Identifiers: ClinVar variation 1016486 (VCV001016486.8), dbSNP rs774678279, ClinGen allele CA5231564.

ClinVar aggregate classification (germline): Uncertain significance (1 of 4 stars; one submission).

Allele frequency attached by ClinVar (database versions not stated): TOPMed below 0.00001; ExAC 0.00001; gnomAD exomes 0.00001.
gnomAD v4.1: 16 of 1,601,692 alleles (0.001%); highest among the groups gnomAD compares: Non-Finnish European, 0.0013%; no homozygotes.

Submission:

Labcorp Genetics (formerly Invitae), Labcorp
Classification: Uncertain significance. Last evaluated: 2024-02-26. Review status: criteria provided, single submitter. Criteria: Invitae Variant Classification Sherloc (09022015). Collection method: clinical testing. Allele origin: germline.
Comment: This sequence change replaces threonine, which is neutral and polar, with asparagine, which is neutral and polar, at codon 51 of the CRB2 protein (p.Thr51Asn). This variant is present in population databases (rs774678279, gnomAD 0.002%). This variant has not been reported in the literature in individuals affected with CRB2-related conditions. ClinVar contains an entry for this variant (Variation ID: 1016486). Advanced modeling of protein sequence and biophysical properties (such as structural, functional, and spatial information, amino acid conservation, physicochemical variation, residue mobility, and thermodynamic stability) performed at Invitae indicates that this missense variant is not expected to disrupt CRB2 protein function with a negative predictive value of 95%. In summary, the available evidence is currently insufficient to determine the role of this variant in disease. Therefore, it has been classified as a Variant of Uncertain Significance.